The following is an entry in ClinVar:

ClinVar aggregate classification (germline): Likely benign. Review status: criteria provided, multiple submitters, no conflicts (2 of 4 stars). 6 submissions from 6 submitters: Likely benign (5). 1 of the submissions does not count toward it. Last evaluated 2025-12-09.

Conditions:
FANCA-related disorder. Also called: FANCA-related condition.
Inborn genetic diseases. Identifiers: MedGen C0950123, MeSH D030342.
Fanconi anemia (FA). Also called: Fanconi's anemia. Identifiers: Orphanet 84, MedGen C0015625, MeSH D005199, MONDO:0019391.
Fanconi anemia complementation group A (FANCA). Also called: Fanconi anemia, group A; FANCA-Related Fanconi Anemia. Identifiers: Orphanet 84, MedGen C3469521, MONDO:0009215, OMIM 227650.

gnomAD v4.1: 33 of 1,614,142 alleles (0.002%); highest among the groups gnomAD compares: Middle Eastern, 0.033%; no homozygotes.

Submissions (6):

Labcorp Genetics (formerly Invitae), Labcorp
Classification: Likely benign for Fanconi anemia. Last evaluated: 2025-12-09. Review status: criteria provided, single submitter. Criteria: Invitae Variant Classification Sherloc (09022015). Collection method: clinical testing. Allele origin: germline.

Ambry Genetics
Classification: Likely benign for Inborn genetic diseases. Last evaluated: 2024-11-18. Review status: criteria provided, single submitter. Criteria: Ambry Variant Classification Scheme 2023. Collection method: clinical testing. Allele origin: germline.

Blueprint Genetics
Classification: Likely benign. Last evaluated: 2024-06-05. Review status: criteria provided, single submitter. Criteria: ACMG Guidelines, 2015. Collection method: clinical testing. Allele origin: germline.

KCCC/NGS Laboratory, Kuwait Cancer Control Center
Classification: Likely benign for Fanconi anemia complementation group A. Last evaluated: 2023-07-07. Review status: criteria provided, single submitter. Criteria: ACMG Guidelines, 2015. Collection method: clinical testing. Allele origin: germline. Affected: yes.

Fulgent Genetics
Classification: Likely benign for Fanconi anemia complementation group A. Last evaluated: 2021-12-24. Review status: criteria provided, single submitter. Criteria: ACMG Guidelines, 2015. Collection method: clinical testing. Allele origin: unknown.

PreventionGenetics, part of Exact Sciences
Classification: Likely benign for FANCA-related condition. Last evaluated: 2019-02-28. Review status: no assertion criteria provided. Collection method: clinical testing. Allele origin: germline. Not counted in ClinVar's aggregate classification.
Comment: This variant is classified as likely benign based on ACMG/AMP sequence variant interpretation guidelines (Richards et al. 2015 PMID: 25741868, with internal and published modifications).

NM_000135.4(FANCA):c.1290G>T (p.Ala430=)

Gene: FANCA (FA complementation group A; minus strand). Cytogenetic location: 16q24.3.
Variant type: single nucleotide variant.
Coding change: c.1290G>T on transcript NM_000135.4 (MANE Select); coding-DNA position 1290, G replaced by T.
Protein change: p.Ala430=; no amino-acid change (alanine 430 retained).
Molecular consequence: synonymous variant.
Genome position (GRCh38, 1-based): chr16:89,791,472, C>A on the plus strand (G>T on the coding strand, the complement: FANCA is on the minus strand). VCF-style: chr16-89791472-C-A. GRCh37 (hg19) VCF-style: chr16-89857880-C-A.
Other names: c.1290G>T, p.Ala430= (NM_001286167.3); c.1290G>T (NM_000135.3, LRG_495t1).
Identifiers: ClinVar variation 456076 (VCV000456076.19), dbSNP rs1800332, ClinGen allele CA8252412.